The following is an entry in ClinVar:

NM_024753.5(TTC21B):c.3918A>G (p.Ile1306Met)

Gene: TTC21B (tetratricopeptide repeat domain 21B; minus strand). Cytogenetic location: 2q24.3.
Variant type: single nucleotide variant.
Coding change: c.3918A>G on transcript NM_024753.5 (MANE Select); coding-DNA position 3918, A replaced by G.
Protein change: p.Ile1306Met; replaces isoleucine 1306 with methionine.
Molecular consequence: missense variant.
Genome position (GRCh38, 1-based): chr2:165,874,788, T>C on the plus strand (A>G on the coding strand, the complement: TTC21B is on the minus strand). VCF-style: chr2-165874788-T-C. GRCh37 (hg19) VCF-style: chr2-166731298-T-C.
Other names: short protein forms I1306M.
Identifiers: ClinVar variation 5006115 (VCV005006115.2).

ClinVar aggregate classification (germline): Uncertain significance (1 of 4 stars; one submission).

Conditions:
Asphyxiating thoracic dystrophy 4 (SRTD4). Also called: SHORT-RIB THORACIC DYSPLASIA 4 WITH OR WITHOUT POLYDACTYLY; SHORT-RIB THORACIC DYSPLASIA 4. Identifiers: Orphanet 474, MedGen C3151185, MONDO:0013441, OMIM 613819.
Nephronophthisis 12 (NPHP12). Identifiers: Orphanet 655, MedGen C3151186, MONDO:0013442, OMIM 613820.

Submission:

Juno Genomics, Hangzhou Juno Genomics, Inc
Classification: Uncertain significance for Nephronophthisis 12; Asphyxiating thoracic dystrophy 4. Review status: criteria provided, single submitter. Criteria: ACMG Guidelines, 2015. Collection method: clinical testing. Allele origin: germline.
Comment: Absent from controls (or at extremely low frequency if recessive) in Genome Aggregation Database.;Multiple lines of computational evidence support a deleterious effect on the gene or gene product.